The following is an entry in ClinVar:

ClinVar aggregate classification (germline): Uncertain significance (1 of 4 stars; one submission).

Conditions:
Hereditary cancer-predisposing syndrome. Also called: Neoplastic Syndromes, Hereditary; Tumor predisposition; Hereditary Cancer Syndrome; Hereditary neoplastic syndrome. Identifiers: Orphanet 140162, MedGen C0027672, MeSH D009386, MONDO:0015356.

Submission:

Ambry Genetics
Classification: Uncertain significance for Hereditary cancer-predisposing syndrome. Last evaluated: 2026-04-04. Review status: criteria provided, single submitter. Criteria: Ambry Variant Classification Scheme 2023. Collection method: clinical testing. Allele origin: germline.
Comment: The p.S283I variant (also known as c.848G>T), located in coding exon 8 of the PMS2 gene, results from a G to T substitution at nucleotide position 848. The serine at codon 283 is replaced by isoleucine, an amino acid with dissimilar properties. This amino acid position is conserved. In addition, this alteration is predicted to be deleterious by in silico analysis. Based on the available evidence, the clinical significance of this variant remains unclear.

NM_000535.7(PMS2):c.848G>T (p.Ser283Ile)

Gene: PMS2 (PMS1 homolog 2, mismatch repair system component; minus strand). Cytogenetic location: 7p22.1.
Variant type: single nucleotide variant.
Coding change: c.848G>T on transcript NM_000535.7 (MANE Select); coding-DNA position 848, G replaced by T.
Protein change: p.Ser283Ile; replaces serine 283 with isoleucine.
Molecular consequence: missense variant. On other transcripts: 5 prime UTR variant (2), non-coding transcript variant (1), intron variant (4).
Genome position (GRCh38, 1-based): chr7:5,995,589, C>A on the plus strand (G>T on the coding strand, the complement: PMS2 is on the minus strand). VCF-style: chr7-5995589-C-A. GRCh37 (hg19) VCF-style: chr7-6035220-C-A.
Other names: c.443G>T, p.Ser148Ile (NM_001322003.2, NM_001322004.2, NM_001322005.2 and 19 more transcripts); c.848G>T, p.Ser283Ile (NM_001322006.2, NM_001322014.2, NM_001406870.1 and 2 more transcripts); c.530G>T, p.Ser177Ile (NM_001322007.2, NM_001322008.2, NM_001406876.1 and 4 more transcripts); c.-86G>T (NM_001322011.2, NM_001322012.2); c.275G>T, p.Ser92Ile (NM_001322013.2, NM_001406909.1); c.539G>T, p.Ser180Ile (NM_001322015.2, NM_001406875.1, NM_001406877.1 and 6 more transcripts); c.1034G>T, p.Ser345Ile (NM_001406866.1); c.872G>T, p.Ser291Ile (NM_001406868.1); and 8 more; short protein forms S112I, S148I, S171I, S177I, S180I, S227I, S247I, S283I.
Identifiers: ClinVar variation 4862103 (VCV004862103.1).